The following is an entry in ClinVar:

ClinVar aggregate classification (germline): Uncertain significance (1 of 4 stars; one submission).

Submission:

GeneDx
Classification: Uncertain significance. Last evaluated: 2023-05-24. Review status: criteria provided, single submitter. Criteria: GeneDx Variant Classification Process June 2021. Collection method: clinical testing. Allele origin: germline. Affected: yes.
Comment: Not observed at significant frequency in large population cohorts (gnomAD); In silico analysis supports that this missense variant does not alter protein structure/function; Has not been previously published as pathogenic or benign to our knowledge

NM_001111125.3(IQSEC2):c.3100C>G (p.Leu1034Val)

Gene: IQSEC2 (IQ motif and Sec7 domain ArfGEF 2; minus strand). Cytogenetic location: Xp11.22.
Variant type: single nucleotide variant.
Coding change: c.3100C>G on transcript NM_001111125.3 (MANE Select); coding-DNA position 3100, C replaced by G.
Protein change: p.Leu1034Val; replaces leucine 1034 with valine.
Molecular consequence: missense variant.
Genome position (GRCh38, 1-based): chrX:53,239,210, G>C on the plus strand (C>G on the coding strand, the complement: IQSEC2 is on the minus strand). VCF-style: chrX-53239210-G-C. GRCh37 (hg19) VCF-style: chrX-53268392-G-C.
Other names: c.3100C>G, p.Leu1034Val (NM_001410736.1); c.2485C>G, p.Leu829Val (NM_015075.2); short protein forms L1034V, L829V.
Identifiers: ClinVar variation 3361966 (VCV003361966.1).